The following is an entry in ClinVar:

ClinVar aggregate classification (germline): Uncertain significance (1 of 4 stars; one submission).

Allele frequency attached by ClinVar (database versions not stated): gnomAD exomes below 0.00001 and 0.00001; ExAC 0.00001.
gnomAD v4.1: 1 of 1,614,126 alleles (0.000062%); highest among the groups gnomAD compares: East Asian, 0.0022%; no homozygotes.

Submission:

Labcorp Genetics (formerly Invitae), Labcorp
Classification: Uncertain significance. Last evaluated: 2022-11-29. Review status: criteria provided, single submitter. Criteria: Invitae Variant Classification Sherloc (09022015). Collection method: clinical testing. Allele origin: germline.
Comment: In summary, the available evidence is currently insufficient to determine the role of this variant in disease. Therefore, it has been classified as a Variant of Uncertain Significance. Algorithms developed to predict the effect of missense changes on protein structure and function output the following: SIFT: "Tolerated"; PolyPhen-2: "Benign"; Align-GVGD: "Class C0". The arginine amino acid residue is found in multiple mammalian species, which suggests that this missense change does not adversely affect protein function. ClinVar contains an entry for this variant (Variation ID: 1439793). This variant has not been reported in the literature in individuals affected with CEP19-related conditions. This variant is present in population databases (rs774728749, gnomAD 0.01%). This sequence change replaces threonine, which is neutral and polar, with arginine, which is basic and polar, at codon 101 of the CEP19 protein (p.Thr101Arg).

NM_032898.5(CEP19):c.290C>G (p.Thr97Arg)

Gene: CEP19 (centrosomal protein 19; minus strand). Cytogenetic location: 3q29.
Variant type: single nucleotide variant.
Coding change: c.290C>G on transcript NM_032898.5 (MANE Select); coding-DNA position 290, C replaced by G.
Protein change: p.Thr97Arg; replaces threonine 97 with arginine.
Molecular consequence: missense variant.
Genome position (GRCh38, 1-based): chr3:196,707,753, G>C on the plus strand (C>G on the coding strand, the complement: CEP19 is on the minus strand). VCF-style: chr3-196707753-G-C. GRCh37 (hg19) VCF-style: chr3-196434624-G-C.
Other names: c.185C>G, p.Thr62Arg (NM_001379468.1); c.290C>G, p.Thr97Arg (NM_001379469.1, NM_001379470.1); short protein forms T62R, T97R.
Identifiers: ClinVar variation 1439793 (VCV001439793.5), dbSNP rs774728749, ClinGen allele CA2782106.